The following is an entry in ClinVar:

NM_000051.4(ATM):c.1611T>G (p.Pro537=)

Gene: ATM (ATM serine/threonine kinase; plus strand). Cytogenetic location: 11q22.3.
Variant type: single nucleotide variant.
Coding change: c.1611T>G on transcript NM_000051.4 (MANE Select); coding-DNA position 1611, T replaced by G.
Protein change: p.Pro537=; no amino-acid change (proline 537 retained).
Molecular consequence: synonymous variant.
Genome position (GRCh38, 1-based): chr11:108,251,840, T>G. VCF-style: chr11-108251840-T-G. GRCh37 (hg19) VCF-style: chr11-108122567-T-G.
Other names: c.1611T>G, p.Pro537= (NM_001351834.2).
Identifiers: ClinVar variation 3254187 (VCV003254187.3), dbSNP rs2135338657.
Genomic context (GRCh38, chr11:108,251,840, plus strand): 5'-AAAGTCTTTGCCCCTCCAATAGCTTGCTTTTCACAATTGTCCTTTGTTTTGTTATAGTCC[T>G]GCAGTATGCTGTTTGACTTTGGCACTGACCACCAGTATAGTTCCAGGAACGGTAAAAATG-3'
Protein context (NP_000042.3, residues 527-547): FTGSACRPSC[Pro537=]AVCCLTLALT

ClinVar aggregate classification (germline): Benign/Likely benign. Review status: criteria provided, multiple submitters, no conflicts (2 of 4 stars). 2 submissions from 2 submitters: Benign (1); Likely benign (1). Last evaluated 2024-04-30.

Conditions:
Familial cancer of breast. Also called: BREAST CANCER, FAMILIAL; hereditary breast carcinoma; Hereditary breast cancer. Identifiers: Orphanet 227535, MedGen C0346153, MONDO:0016419, OMIM 114480. Disease mechanism: loss of function.
Ataxia-telangiectasia syndrome (AT). Also called: LOUIS-BAR SYNDROME; Cerebello-oculocutaneous telangiectasia; Immunodeficiency with ataxia telangiectasia; AT, COMPLEMENTATION GROUP C; Ataxia-telangiectasia, complementation group D; ATAXIA-TELANGIECTASIA, COMPLEMENTATION GROUP A. Identifiers: Orphanet 100, MedGen C0004135, MONDO:0008840, OMIM 208900.

Allele frequency attached by ClinVar (database versions not stated): gnomAD exomes below 0.00001.
gnomAD v4.1: 1 of 1,613,800 alleles (0.000062%); highest among the groups gnomAD compares: African/African-American, 0.0013%; no homozygotes.

Submissions (2):

Myriad Genetics, Inc.
Classification: Benign for Familial cancer of breast. Last evaluated: 2024-04-30. Review status: criteria provided, single submitter. Criteria: Myriad Autosomal Dominant, Autosomal Recessive and X-Linked Classification Criteria (2023). Collection method: clinical testing. Allele origin: unknown.
Comment: This variant is considered benign. This variant is a silent/synonymous amino acid change and it is not expected to impact splicing.

Labcorp Genetics (formerly Invitae), Labcorp
Classification: Likely benign for Ataxia-telangiectasia syndrome. Last evaluated: 2024-02-20. Review status: criteria provided, single submitter. Criteria: Invitae Variant Classification Sherloc (09022015). Collection method: clinical testing. Allele origin: germline.